The following is an entry in ClinVar:

ClinVar aggregate classification (germline): Uncertain significance. Review status: criteria provided, multiple submitters, no conflicts (2 of 4 stars). 2 submissions from 2 submitters: Uncertain significance (2). Last evaluated 2025-05-21.

Allele frequency attached by ClinVar (database versions not stated): TOPMed below 0.00001.

Submissions (2):

Women's Health and Genetics/Laboratory Corporation of America, LabCorp
Classification: Uncertain significance. Last evaluated: 2025-05-21. Review status: criteria provided, single submitter. Criteria: LabCorp Variant Classification Summary - May 2015. Collection method: clinical testing. Allele origin: germline.
Comment: Variant summary: MYH3 c.709G>A (p.Val237Met) results in a conservative amino acid change in the encoded protein sequence. Algorithms developed to predict the effect of missense changes on protein structure and function are either unavailable or do not agree on the potential impact of this missense change. The variant was absent in 251492 control chromosomes (gnomAD). The available data on variant occurrences in the general population are insufficient to allow any conclusion about variant significance. To our knowledge, no occurrence of c.709G>A in individuals affected with MYH3-Related Disorders and no experimental evidence demonstrating its impact on protein function have been reported. ClinVar contains an entry for this variant (Variation ID: 2069954). Based on the evidence outlined above, the variant was classified as uncertain significance.

Labcorp Genetics (formerly Invitae), Labcorp
Classification: Uncertain significance. Last evaluated: 2024-05-09. Review status: criteria provided, single submitter. Criteria: Invitae Variant Classification Sherloc (09022015). Collection method: clinical testing. Allele origin: germline.
Comment: This sequence change replaces valine, which is neutral and non-polar, with methionine, which is neutral and non-polar, at codon 237 of the MYH3 protein (p.Val237Met). This variant is not present in population databases (gnomAD no frequency). This variant has not been reported in the literature in individuals affected with MYH3-related conditions. ClinVar contains an entry for this variant (Variation ID: 2069954). Advanced modeling of protein sequence and biophysical properties (such as structural, functional, and spatial information, amino acid conservation, physicochemical variation, residue mobility, and thermodynamic stability) performed at Invitae indicates that this missense variant is not expected to disrupt MYH3 protein function with a negative predictive value of 95%. In summary, the available evidence is currently insufficient to determine the role of this variant in disease. Therefore, it has been classified as a Variant of Uncertain Significance.

NM_002470.4(MYH3):c.709G>A (p.Val237Met)

Gene: MYH3 (myosin heavy chain 3; minus strand). Cytogenetic location: 17p13.1.
Variant type: single nucleotide variant.
Coding change: c.709G>A on transcript NM_002470.4 (MANE Select); coding-DNA position 709, G replaced by A.
Protein change: p.Val237Met; replaces valine 237 with methionine.
Molecular consequence: missense variant.
Genome position (GRCh38, 1-based): chr17:10,648,583, C>T on the plus strand (G>A on the coding strand, the complement: MYH3 is on the minus strand). VCF-style: chr17-10648583-C-T. GRCh37 (hg19) VCF-style: chr17-10551900-C-T.
Other names: short protein forms V237M.
Identifiers: ClinVar variation 2069954 (VCV002069954.5), dbSNP rs1656105606, ClinGen allele CA398109621.